The following is an entry in ClinVar:

ClinVar aggregate classification (germline): Uncertain significance (1 of 4 stars; one submission).

gnomAD v4.1: 1 of 1,613,738 alleles (0.000062%); highest among the groups gnomAD compares: Non-Finnish European, 0.000085%; no homozygotes.

Submission:

GeneDx
Classification: Uncertain significance. Last evaluated: 2025-07-20. Review status: criteria provided, single submitter. Criteria: GeneDx Variant Classification Process June 2021. Collection method: clinical testing. Allele origin: germline.
Comment: Not observed at significant frequency in large population cohorts (gnomAD); In silico analysis supports that this missense variant has a deleterious effect on protein structure/function; Has not been previously published as pathogenic or benign to our knowledge; Variants in candidate genes are classified as variants of uncertain significance in accordance with ACMG guidelines (PMID: 25741868)

NM_014921.5(ADGRL1):c.2303A>G (p.Asn768Ser)

Genes: ADGRL1 (adhesion G protein-coupled receptor L1; minus strand), ADGRL1-AS1 (ADGRL1 antisense RNA 1; plus strand). Cytogenetic location: 19p13.12.
Variant type: single nucleotide variant.
Coding change: c.2303A>G on transcript NM_014921.5 (MANE Select); coding-DNA position 2303, A replaced by G.
Protein change: p.Asn768Ser; replaces asparagine 768 with serine.
Molecular consequence: missense variant.
Genome position (GRCh38, 1-based): chr19:14,158,399, T>C on the plus strand (A>G on the coding strand, the complement: ADGRL1 is on the minus strand). VCF-style: chr19-14158399-T-C. GRCh37 (hg19) VCF-style: chr19-14269211-T-C.
Other names: c.2318A>G, p.Asn773Ser (NM_001008701.3); short protein forms N768S, N773S.
Identifiers: ClinVar variation 4975172 (VCV004975172.1).
Genomic context (GRCh38, chr19:14,158,399, plus strand): 5'-TCCAGGTGGGCCACGGTGAAGATGACAGGGTCCATGAGGAAGACGCGGCTGGACTCCTTG[T>C]TGATGGATGCTGCGATGACCTGTGAGTTCACCACTAGAGAGGCGCCCCCAGGGCCACCCG-3'
Protein context (NP_055736.2, residues 758-778): VNSQVIAASI[Asn768Ser]KESSRVFLMD